The following is an entry in ClinVar:

ClinVar aggregate classification (germline): Uncertain significance (1 of 4 stars; one submission).

gnomAD v4.1: 5 of 1,614,108 alleles (0.00031%); highest among the groups gnomAD compares: South Asian, 0.0011%; no homozygotes.

Submission:

Labcorp Genetics (formerly Invitae), Labcorp
Classification: Uncertain significance. Last evaluated: 2025-08-20. Review status: criteria provided, single submitter. Criteria: Invitae Variant Classification Sherloc (09022015). Collection method: clinical testing. Allele origin: germline.
Comment: This sequence change replaces arginine, which is basic and polar, with histidine, which is basic and polar, at codon 102 of the ZNF143 protein (p.Arg102His). This variant is present in population databases (no rsID available, gnomAD 0.003%). This variant has not been reported in the literature in individuals affected with ZNF143-related conditions. An algorithm developed to predict the effect of missense changes on protein structure and function (PolyPhen-2) suggests that this variant is likely to be disruptive. In summary, the available evidence is currently insufficient to determine the role of this variant in disease. Therefore, it has been classified as a Variant of Uncertain Significance.

NM_003442.6(ZNF143):c.305G>A (p.Arg102His)

Gene: ZNF143 (zinc finger protein 143; plus strand). Cytogenetic location: 11p15.4.
Variant type: single nucleotide variant.
Coding change: c.305G>A on transcript NM_003442.6 (MANE Select); coding-DNA position 305, G replaced by A.
Protein change: p.Arg102His; replaces arginine 102 with histidine.
Molecular consequence: missense variant.
Genome position (GRCh38, 1-based): chr11:9,474,565, G>A. VCF-style: chr11-9474565-G-A. GRCh37 (hg19) VCF-style: chr11-9496112-G-A.
Other names: c.302G>A, p.Arg101His (NM_001282656.2); c.212G>A, p.Arg71His (NM_001282657.2); short protein forms R71H, R101H, R102H.
Identifiers: ClinVar variation 4777447 (VCV004777447.1).